The following is an entry in ClinVar:

ClinVar aggregate classification (germline): Conflicting classifications of pathogenicity. Review status: criteria provided, conflicting classifications (1 of 4 stars). 2 submissions from 2 submitters: Pathogenic (1); Uncertain significance (1). Last evaluated 2022-03-19.

Conditions:
Biotin-responsive basal ganglia disease (BTBGD). Also called: Thiamine metabolism dysfunction syndrome type 2; Thiamine Transporter-2 Deficiency; Thiamine metabolism dysfunction syndrome 2 (biotin- or thiamine-responsive encephalopathy type 2); thiamine-responsive encephalopathy; THIAMINE METABOLISM DYSFUNCTION SYNDROME 2 (BIOTIN- AND THIAMINE-RESPONSIVE TYPE). Identifiers: Orphanet 199348, Orphanet 65284, MedGen C1843807, MONDO:0011841, OMIM 607483.

Submissions (2):

Labcorp Genetics (formerly Invitae), Labcorp
Classification: Uncertain significance for Biotin-responsive basal ganglia disease. Last evaluated: 2022-03-19. Review status: criteria provided, single submitter. Criteria: Invitae Variant Classification Sherloc (09022015). Collection method: clinical testing. Allele origin: germline.
Comment: This sequence change replaces leucine, which is neutral and non-polar, with arginine, which is basic and polar, at codon 385 of the SLC19A3 protein (p.Leu385Arg). This variant is present in population databases (rs563607795, gnomAD 0.003%). This missense change has been observed in individual(s) with SLC19A3-related conditions (PMID: 23482991). ClinVar contains an entry for this variant (Variation ID: 215161). Advanced modeling of protein sequence and biophysical properties (such as structural, functional, and spatial information, amino acid conservation, physicochemical variation, residue mobility, and thermodynamic stability) performed at Invitae indicates that this missense variant is expected to disrupt SLC19A3 protein function. In summary, the available evidence is currently insufficient to determine the role of this variant in disease. Therefore, it has been classified as a Variant of Uncertain Significance.

Illumina Laboratory Services, Illumina
Classification: Pathogenic for Biotin-responsive basal ganglia disease. Last evaluated: 2017-04-27. Review status: criteria provided, single submitter. Criteria: ICSL Variant Classification Criteria 09 May 2019. Collection method: clinical testing. Allele origin: germline.
Comment: The SLC19A3 c.1154T>G (p.Leu385Arg) variant has been reported in one study in which it is found in seven patients with an unidentified leukoencephalopathy including three patients in a homozygous state and four patients in a presumed compound heterozygous state (Kevelam et al. 2013). The variant was absent from 13,000 control chromosomes and is reported at a frequency of 0.00002 in the European (non-Finnish) population of the Exome Aggregation Consortium. This frequency is based on one allele in an area of good coverage so the variant is presumed to be rare. Based on the evidence, the p.Leu385Arg variant is classified as pathogenic for thiamine metabolism dysfunction syndrome. This variant was observed by ICSL as part of a predisposition screen in an ostensibly healthy population.

Literature cited by the submitters: PubMed 23482991 (cited by Labcorp Genetics (formerly Invitae), Labcorp and Illumina Laboratory Services, Illumina).

NM_025243.4(SLC19A3):c.1154T>G (p.Leu385Arg)

Gene: SLC19A3 (solute carrier family 19 member 3; minus strand). Cytogenetic location: 2q36.3.
Variant type: single nucleotide variant.
Coding change: c.1154T>G on transcript NM_025243.4 (MANE Select); coding-DNA position 1154, T replaced by G.
Protein change: p.Leu385Arg; replaces leucine 385 with arginine.
Molecular consequence: missense variant.
Genome position (GRCh38, 1-based): chr2:227,695,907, A>C on the plus strand (T>G on the coding strand, the complement: SLC19A3 is on the minus strand). VCF-style: chr2-227695907-A-C. GRCh37 (hg19) VCF-style: chr2-228560623-A-C.
Other names: short protein forms L385R.
Identifiers: ClinVar variation 215161 (VCV000215161.7), dbSNP rs563607795, ClinGen allele CA323377.